The following is an entry in ClinVar:

ClinVar aggregate classification (germline): Pathogenic (1 of 4 stars; one submission).

Submission:

ISCA site 4
Classification: Pathogenic. Last evaluated: 2011-08-12. Review status: criteria provided, single submitter. Criteria: Kaminsky et al. (Genet Med. 2011). Collection method: clinical testing. Allele origin: unknown. Affected: yes. Observed: 1 variant allele.
Comment: Copy number variation identified through the course of routine clinical cytogenomic testing in postnatal populations. Clinical assertions have been curated as described in Kaminsky et al. 2011.

GRCh38/hg38 Xp22.33-22.2(chrX:10679-11803947)x1

Genes: VCX (variable charge X-linked; plus strand), VCX2 (variable charge X-linked 2; minus strand), VCX3A (variable charge X-linked 3A; minus strand), VCX3B (variable charge X-linked 3B; plus strand), WWC3 (WWC family member 3; plus strand) and 171 more. Cytogenetic location: Xp22.33-22.2.
Variant type: copy number loss.
Change: copy number 1 of chrX:10,679-11,803,947 (11.79 Mb, GRCh38 coordinates, 1-based), cytogenetic band Xp22.33-22.2.
Identifiers: ClinVar variation 59168 (VCV000059168.2).